The following is an entry in ClinVar:

ClinVar aggregate classification (germline): Uncertain significance (1 of 4 stars; one submission).

Conditions:
Familial intrahepatic cholestasis. Identifiers: Orphanet 284385, MedGen CN296401, MONDO:0017290.

Submission:

Genomenon, Inc
Classification: Uncertain significance for Familial intrahepatic cholestasis. Last evaluated: 2026-04-14. Review status: criteria provided, single submitter. Criteria: Genomenon Sequence Variant Interpretation Standards - Updated. Collection method: curation. Allele origin: germline. Affected: yes.
Comment: ABCB4 p.Glu161Gly (c.482A>G) is a missense variant that changes the amino acid at residue 161 from Glutamic acid to Glycine. This variant has been observed in at least one proband with an ABCB4-related disorder (PMID:28924228). It is absent or not present at a significant frequency in gnomAD. In silico models predict that this variant is possibly or probably damaging. In conclusion, we classify ABCB4 p.Glu161Gly (c.482A>G) as a variant of uncertain significance.

Literature cited by the submitters: PubMed 28924228.

NM_000443.4(ABCB4):c.482A>G (p.Glu161Gly)

Gene: ABCB4 (ATP binding cassette subfamily B member 4; minus strand). Cytogenetic location: 7q21.12.
Variant type: single nucleotide variant.
Coding change: c.482A>G on transcript NM_000443.4 (MANE Select); coding-DNA position 482, A replaced by G.
Protein change: p.Glu161Gly; replaces glutamic acid 161 with glycine.
Molecular consequence: missense variant.
Genome position (GRCh38, 1-based): chr7:87,452,998, T>C on the plus strand (A>G on the coding strand, the complement: ABCB4 is on the minus strand). VCF-style: chr7-87452998-T-C. GRCh37 (hg19) VCF-style: chr7-87082314-T-C.
Other names: c.482A>G, p.Glu161Gly (NM_018849.3, NM_018850.3); short protein forms E161G.
Identifiers: ClinVar variation 4846430 (VCV004846430.1).